The following is an entry in ClinVar:

NM_001005273.3(CHD3):c.4138+16C>G

Gene: CHD3 (chromodomain helicase DNA binding protein 3; plus strand). Cytogenetic location: 17p13.1.
Variant type: single nucleotide variant.
Coding change: c.4138+16C>G on transcript NM_001005273.3 (MANE Select); 16 bases into the intron after coding-DNA position 4138, C replaced by G.
Molecular consequence: intron variant.
Genome position (GRCh38, 1-based): chr17:7,905,181, C>G. VCF-style: chr17-7905181-C-G. GRCh37 (hg19) VCF-style: chr17-7808499-C-G.
Other names: NM_005852.4:c.4138+16C>G; c.4315+16C>G (NM_001437504.1, NM_001005271.3); c.4303+16C>G (NM_001437509.1, NM_001437507.1, NM_001437508.1); c.4138+16C>G (NM_005852.4).
Identifiers: ClinVar variation 4974509 (VCV004974509.1).

ClinVar aggregate classification (germline): Uncertain significance (1 of 4 stars; one submission).

Conditions:
Snijders Blok-Campeau syndrome. Also called: INTELLECTUAL DEVELOPMENTAL DISORDER WITH MACROCEPHALY, SPEECH DELAY, AND DYSMORPHIC FACIES. Identifiers: Orphanet 599082, MedGen C4748701, MONDO:0032600, OMIM 618205.

gnomAD v4.1: 1 of 1,610,272 alleles (0.000062%); highest among the groups gnomAD compares: Non-Finnish European, 0.000085%; no homozygotes.

Submission:

Broad Center for Mendelian Genomics, Broad Institute of MIT and Harvard
Classification: Uncertain significance for Snijders Blok-Campeau syndrome. Last evaluated: 2026-08-12. Review status: criteria provided, single submitter. Criteria: ACMG Guidelines, 2015. Collection method: research. Allele origin: germline. Inheritance: Autosomal dominant inheritance. Study: GREGoR Consortium.
Comment: The c.4138+16C>G variant in CHD3 has not been previously reported in the literature in individuals with syndromic intellectual disability, and has been identified in 0.000085% (1/1176456) of European (non-Finnish) chromosomes by the Genome Aggregation Database (gnomAD; dbSNP rs1244345951). Although this variant has been seen in the general population in a heterozygous state, its frequency is not high enough to rule out a pathogenic role. This variant is located in the 5' splice region. Computational tools predict a splicing impact, though this information is not predictive enough to determine/rule out pathogenicity. Data from a high-throughput in vitro splicing assay support also this prediction, demonstrating disruption of exon 26, which is predicted to introduce a frameshift leading to an abnormal or absent protein (K. Bujakowska, personal communication). While there is some evidence to suggest that heterozygous loss of function of the CHD3 gene is a disease mechanism in Snijders Blok-Campeau syndrome, this association is not yet strongly established based on the criteria laid out in Tayoun, 2018 (PMID: 30192042). In summary, the clinical significance of the c.4138+16C>G variant is uncertain. ACMG/AMP Criteria applied: PVS1_strong(Richards 2015).